The following is an entry in ClinVar:

NM_001142800.2(EYS):c.3568+1G>A

Gene: EYS (EGF-like photoreceptor maintenance factor; minus strand). Cytogenetic location: 6q12.
Variant type: single nucleotide variant.
Coding change: c.3568+1G>A on transcript NM_001142800.2 (MANE Select); the canonical splice donor site of the intron after coding-DNA position 3568, G replaced by A.
Molecular consequence: splice donor variant.
Genome position (GRCh38, 1-based): chr6:64,626,120, C>T on the plus strand (G>A on the coding strand, the complement: EYS is on the minus strand). VCF-style: chr6-64626120-C-T. GRCh37 (hg19) VCF-style: chr6-65336013-C-T.
Other names: c.3568+1G>A (NM_001292009.2).
Identifiers: ClinVar variation 841931 (VCV000841931.13), dbSNP rs1767600988, ClinGen allele CA364785249.
Genomic context (GRCh38, chr6:64,626,120, plus strand): 5'-ATTTACATAAACGTATATATTATTATATATGCAGTATGCTTATTATTTTTAAAATAATTA[C>T]CTGGTTGGCATTTGCAAACATATCCATTGATGTGATCTTCACAGTCTGCACCATGTAGAC-3'

ClinVar aggregate classification (germline): Likely pathogenic. Review status: criteria provided, multiple submitters, no conflicts (2 of 4 stars). 3 submissions from 3 submitters: Likely pathogenic (2). 1 of the submissions does not count toward it. Last evaluated 2024-02-02.

Conditions:
EYS-related disorder. Also called: EYS-related condition.
Retinitis pigmentosa 25 (RP25). Identifiers: Orphanet 791, MedGen C1864446, MONDO:0011272, OMIM 602772.

gnomAD v4.1: 2 of 1,520,908 alleles (0.00013%); highest among the groups gnomAD compares: Admixed American, 0.002%; no homozygotes.

Submissions (3):

Labcorp Genetics (formerly Invitae), Labcorp
Classification: Likely pathogenic. Last evaluated: 2024-02-02. Review status: criteria provided, single submitter. Criteria: Invitae Variant Classification Sherloc (09022015). Collection method: clinical testing. Allele origin: germline.
Comment: This sequence change affects a donor splice site in intron 23 of the EYS gene. It is expected to disrupt RNA splicing. Variants that disrupt the donor or acceptor splice site typically lead to a loss of protein function (PMID: 16199547), and loss-of-function variants in EYS are known to be pathogenic (PMID: 18836446, 20333770). This variant is not present in population databases (gnomAD no frequency). Disruption of this splice site has been observed in individual(s) with retinitis pigmentosa (Invitae). ClinVar contains an entry for this variant (Variation ID: 841931). Algorithms developed to predict the effect of sequence changes on RNA splicing suggest that this variant may disrupt the consensus splice site. In summary, the currently available evidence indicates that the variant is pathogenic, but additional data are needed to prove that conclusively. Therefore, this variant has been classified as Likely Pathogenic.

Blueprint Genetics
Classification: Likely pathogenic for EYS-related disorders. Last evaluated: 2022-01-20. Review status: criteria provided, single submitter. Criteria: ACMG Guidelines, 2015. Collection method: clinical testing. Allele origin: germline. Affected: yes. Observed: 2 variant alleles.

Natera, Inc.
Classification: Likely pathogenic for Retinitis pigmentosa type 25. Last evaluated: 2021-09-27. Review status: no assertion criteria provided. Collection method: clinical testing. Allele origin: germline. Not counted in ClinVar's aggregate classification.

Literature cited by the submitters: PubMed 16199547 (cited by Labcorp Genetics (formerly Invitae), Labcorp); PubMed 18836446 (cited by Labcorp Genetics (formerly Invitae), Labcorp); PubMed 20333770 (cited by Labcorp Genetics (formerly Invitae), Labcorp).